The following is an entry in ClinVar:

NM_005629.4(SLC6A8):c.808G>C (p.Val270Leu)

Gene: SLC6A8 (solute carrier family 6 member 8; plus strand). Cytogenetic location: Xq28.
Variant type: single nucleotide variant.
Coding change: c.808G>C on transcript NM_005629.4 (MANE Select); coding-DNA position 808, G replaced by C.
Protein change: p.Val270Leu; replaces valine 270 with leucine.
Molecular consequence: missense variant.
Genome position (GRCh38, 1-based): chrX:153,693,071, G>C. VCF-style: chrX-153693071-G-C. GRCh37 (hg19) VCF-style: chrX-152958526-G-C.
Other names: c.808G>C, p.Val270Leu (NM_001142805.2); c.463G>C, p.Val155Leu (NM_001142806.1); short protein forms V155L, V270L.
Identifiers: ClinVar variation 4525773 (VCV004525773.1).
Genomic context (GRCh38, chrX:153,693,071, plus strand): 5'-CAGCCTCCGCTGAGCAGCCTGGCCCCCCAGATCGTGTACTTCACTGCTACATTCCCCTAC[G>C]TGGTCCTGGTCGTGCTGCTGGTGCGTGGAGTGCTGCTGCCTGGCGCCCTGGATGGCATCA-3'
Protein context (NP_005620.1, residues 260-280): IVYFTATFPY[Val270Leu]VLVVLLVRGV

ClinVar aggregate classification (germline): Uncertain significance (1 of 4 stars; one submission).

Submission:

Women's Health and Genetics/Laboratory Corporation of America, LabCorp
Classification: Uncertain significance. Last evaluated: 2025-07-18. Review status: criteria provided, single submitter. Criteria: LabCorp Variant Classification Summary - May 2015. Collection method: clinical testing. Allele origin: germline.
Comment: Variant summary: SLC6A8 c.808G>C (p.Val270Leu) results in a conservative amino acid change in the encoded protein sequence. Algorithms developed to predict the effect of missense changes on protein structure and function are either unavailable or do not agree on the potential impact of this missense change. The variant was absent in 182362 control chromosomes. The available data on variant occurrences in the general population are insufficient to allow any conclusion about variant significance. To our knowledge, no occurrence of c.808G>C in individuals affected with Creatine Deficiency, X-Linked and no experimental evidence demonstrating its impact on protein function have been reported. No submitters have cited clinical-significance assessments for this variant to ClinVar. Based on the evidence outlined above, the variant was classified as uncertain significance.